The following is an entry in ClinVar:

NM_002582.4(PARN):c.1670+5G>C

Gene: PARN (poly(A)-specific ribonuclease; minus strand). Cytogenetic location: 16p13.12.
Variant type: single nucleotide variant.
Coding change: c.1670+5G>C on transcript NM_002582.4 (MANE Select); 5 bases into the intron after coding-DNA position 1670, G replaced by C.
Molecular consequence: intron variant.
Genome position (GRCh38, 1-based): chr16:14,482,633, C>G on the plus strand (G>C on the coding strand, the complement: PARN is on the minus strand). VCF-style: chr16-14482633-C-G. GRCh37 (hg19) VCF-style: chr16-14576490-C-G.
Other names: c.1487+5G>C (NM_001134477.3); c.1532+5G>C (NM_001242992.2).
Identifiers: ClinVar variation 2948268 (VCV002948268.3), dbSNP rs2506912533, ClinGen allele CA2740093261.
Genomic context (GRCh38, chr16:14,482,633, plus strand): 5'-AGAAGCAACAAGAAAAGCCATTGCTAGAACTCTGGCCTTTTAAATTAACAGCTGAGAGCT[C>G]TTACCTATTGTTGCGGTAATAGTGATTCTGCAGGGTGTAGGGTATGCACTGGGGGTTTAA-3'

ClinVar aggregate classification (germline): Uncertain significance (1 of 4 stars; one submission).

Conditions:
Dyskeratosis congenita, autosomal recessive 6 (DKCB6). Identifiers: MedGen C4225356, MONDO:0014600, OMIM 616353.
Pulmonary fibrosis and/or bone marrow failure, Telomere-related, 4. Also called: PULMONARY FIBROSIS AND/OR BONE MARROW FAILURE SYNDROME, TELOMERE-RELATED, 4. Identifiers: Orphanet 2032, MedGen C4225347, MONDO:0014612, OMIM 616371.

Submission:

Labcorp Genetics (formerly Invitae), Labcorp
Classification: Uncertain significance for Dyskeratosis congenita, autosomal recessive 6; Pulmonary fibrosis and/or bone marrow failure, Telomere-related, 4. Last evaluated: 2023-06-21. Review status: criteria provided, single submitter. Criteria: Invitae Variant Classification Sherloc (09022015). Collection method: clinical testing. Allele origin: germline.
Comment: In summary, the available evidence is currently insufficient to determine the role of this variant in disease. Therefore, it has been classified as a Variant of Uncertain Significance. Variants that disrupt the consensus splice site are a relatively common cause of aberrant splicing (PMID: 17576681, 9536098). Algorithms developed to predict the effect of sequence changes on RNA splicing suggest that this variant is not likely to affect RNA splicing. This variant has not been reported in the literature in individuals affected with PARN-related conditions. This variant is not present in population databases (gnomAD no frequency). This sequence change falls in intron 22 of the PARN gene. It does not directly change the encoded amino acid sequence of the PARN protein. It affects a nucleotide within the consensus splice site.

Literature cited by the submitters: PubMed 17576681; PubMed 9536098.